The following is an entry in ClinVar:

ClinVar aggregate classification (germline): Uncertain significance (1 of 4 stars; one submission).

Conditions:
Developmental and epileptic encephalopathy. Identifiers: MedGen C5779964, MONDO:0100620.

Allele frequency attached by ClinVar (database versions not stated): TOPMed below 0.00001.
gnomAD v4.1: 4 of 1,613,850 alleles (0.00025%); highest among the groups gnomAD compares: African/African-American, 0.0013%; no homozygotes.

Submission:

Labcorp Genetics (formerly Invitae), Labcorp
Classification: Uncertain significance for Early-infantile DEE. Last evaluated: 2022-02-11. Review status: criteria provided, single submitter. Criteria: Invitae Variant Classification Sherloc (09022015). Collection method: clinical testing. Allele origin: germline.
Comment: This sequence change replaces arginine, which is basic and polar, with cysteine, which is neutral and slightly polar, at codon 927 of the CACNA2D2 protein (p.Arg927Cys). This variant is present in population databases (rs764694236, gnomAD 0.006%). This missense change has been observed in individual(s) with clinical features of CACNA2D2-related conditions (PMID: 31785789). Algorithms developed to predict the effect of missense changes on protein structure and function are either unavailable or do not agree on the potential impact of this missense change (SIFT: "Deleterious"; PolyPhen-2: "Possibly Damaging"; Align-GVGD: "Class C15"). In summary, the available evidence is currently insufficient to determine the role of this variant in disease. Therefore, it has been classified as a Variant of Uncertain Significance.

Literature cited by the submitters: PubMed 31785789.

NM_006030.4(CACNA2D2):c.2779C>T (p.Arg927Cys)

Genes: CACNA2D2 (calcium voltage-gated channel auxiliary subunit alpha2delta 2; minus strand), LOC101928965 (uncharacterized LOC101928965; plus strand), LOC127898564 (CYB561D2-LOC101928965; plus strand). Cytogenetic location: 3p21.31.
Variant type: single nucleotide variant.
Coding change: c.2779C>T on transcript NM_006030.4 (MANE Select); coding-DNA position 2779, C replaced by T.
Protein change: p.Arg927Cys; replaces arginine 927 with cysteine.
Molecular consequence: missense variant.
Genome position (GRCh38, 1-based): chr3:50,366,094, G>A on the plus strand (C>T on the coding strand, the complement: CACNA2D2 is on the minus strand). VCF-style: chr3-50366094-G-A. GRCh37 (hg19) VCF-style: chr3-50403525-G-A.
Other names: c.2779C>T, p.Arg927Cys (NM_001005505.3); c.2800C>T, p.Arg934Cys (NM_001174051.3); c.2572C>T, p.Arg858Cys (NM_001291101.1); c.2782C>T, p.Arg928Cys (NM_001410768.1); short protein forms R858C, R927C, R934C, R928C.
Identifiers: ClinVar variation 2096906 (VCV002096906.1), dbSNP rs764694236, ClinGen allele CA2418370.